The following is an entry in ClinVar:

NM_016203.4(PRKAG2):c.1679-8dup

Gene: PRKAG2 (protein kinase AMP-activated non-catalytic subunit gamma 2; minus strand). Cytogenetic location: 7q36.1.
Variant type: Duplication.
Coding change: c.1679-8dup on transcript NM_016203.4 (MANE Select); 8 bases into the intron before coding-DNA position 1679, one base duplicated (A; older notation c.1679-8dupA).
Molecular consequence: intron variant. On other transcripts: 3 prime UTR variant (7).
Genome position (GRCh38, 1-based): chr7:151,557,240, T duplicated on the plus strand (A on the coding strand, the reverse complement: PRKAG2 is on the minus strand). VCF-style (leftmost placement, unchanged base first): chr7-151557239-G-GT. GRCh37 (hg19) VCF-style: chr7-151254325-G-GT.
Other names: c.*3102dup (NM_001407021.1, NM_001407022.1, NM_001407028.1 and 4 more transcripts); c.1388-8dup (NM_001407031.1); c.1391-8dup (NM_001407030.1); c.1676-8dup (NM_001407023.1); c.1361-8dup (NM_001407032.1); c.1544-8dup (NM_001407026.1, NM_001407027.1); c.1547-8dup (NM_001040633.2, NM_001407024.1); c.1355-8dup (NM_001407033.1); and 6 more.
Identifiers: ClinVar variation 4759048 (VCV004759048.1).

ClinVar aggregate classification (germline): Uncertain significance (1 of 4 stars; one submission).

Conditions:
Cardiomyopathy (CMYO). Also called: Cardiomyopathies. Identifiers: Orphanet 167848, MedGen C0878544, MONDO:0004994, HP:0001638. Inheritance: Various modes of inheritance.

Submission:

Color Diagnostics, LLC DBA Color Health
Classification: Uncertain significance for Cardiomyopathy. Last evaluated: 2025-08-04. Review status: criteria provided, single submitter. Criteria: ACMG Guidelines, 2015. Collection method: clinical testing. Allele origin: germline.
Comment: This variant causes a duplication of single nucleotide at -8 position in intron 15 of the PRKAG2 gene. To our knowledge, functional studies have not been reported for this variant. This variant has not been reported in individuals affected with PRKAG2-related disorders in the literature. This variant has not been identified in the general population by the Genome Aggregation Database (gnomAD). The available evidence is insufficient to determine the role of this variant in disease conclusively. Therefore, this variant is classified as a Variant of Uncertain Significance.